The following is an entry in ClinVar:

NM_018943.3(TUBA8):c.608T>A (p.Met203Lys)

Gene: TUBA8 (tubulin alpha 8; plus strand). Cytogenetic location: 22q11.21.
Variant type: single nucleotide variant.
Coding change: c.608T>A on transcript NM_018943.3 (MANE Select); coding-DNA position 608, T replaced by A.
Protein change: p.Met203Lys; replaces methionine 203 with lysine.
Molecular consequence: missense variant.
Genome position (GRCh38, 1-based): chr22:18,126,586, T>A. VCF-style: chr22-18126586-T-A. GRCh37 (hg19) VCF-style: chr22-18609353-T-A.
Other names: c.410T>A, p.Met137Lys (NM_001193414.2); short protein forms M137K, M203K.
Identifiers: ClinVar variation 2004443 (VCV002004443.4), dbSNP rs2517708713, ClinGen allele CA410263338.

ClinVar aggregate classification (germline): Uncertain significance (1 of 4 stars; one submission).

Submission:

Labcorp Genetics (formerly Invitae), Labcorp
Classification: Uncertain significance. Last evaluated: 2023-10-03. Review status: criteria provided, single submitter. Criteria: Invitae Variant Classification Sherloc (09022015). Collection method: clinical testing. Allele origin: germline.
Comment: This sequence change replaces methionine, which is neutral and non-polar, with lysine, which is basic and polar, at codon 203 of the TUBA8 protein (p.Met203Lys). This variant is not present in population databases (gnomAD no frequency). This variant has not been reported in the literature in individuals affected with TUBA8-related conditions. ClinVar contains an entry for this variant (Variation ID: 2004443). Advanced modeling of protein sequence and biophysical properties (such as structural, functional, and spatial information, amino acid conservation, physicochemical variation, residue mobility, and thermodynamic stability) performed at Invitae indicates that this missense variant is expected to disrupt TUBA8 protein function. In summary, the available evidence is currently insufficient to determine the role of this variant in disease. Therefore, it has been classified as a Variant of Uncertain Significance.